The following is an entry in ClinVar:

ClinVar aggregate classification (germline): Conflicting classifications of pathogenicity. Review status: criteria provided, conflicting classifications (1 of 4 stars). 5 submissions from 5 submitters: Uncertain significance (4); Likely benign (1). Last evaluated 2026-01-14.

Conditions:
Hereditary cancer-predisposing syndrome. Also called: Hereditary Cancer Syndrome; Hereditary neoplastic syndrome; Tumor predisposition; Neoplastic Syndromes, Hereditary. Identifiers: Orphanet 140162, MedGen C0027672, MeSH D009386, MONDO:0015356.

Allele frequency attached by ClinVar (database versions not stated): gnomAD 0.00004 and 0.00003; gnomAD exomes 0.00008 and 0.00006; ExAC 0.00003; TOPMed 0.00003; ESP Exome Variant Server 0.00008.
gnomAD v4.1: 124 of 1,612,612 alleles (0.0077%); highest among the groups gnomAD compares: Admixed American, 0.012%; no homozygotes.

Submissions (5):

Labcorp Genetics (formerly Invitae), Labcorp
Classification: Uncertain significance. Last evaluated: 2026-01-14. Review status: criteria provided, single submitter. Criteria: Invitae Variant Classification Sherloc (09022015). Collection method: clinical testing. Allele origin: germline.
Comment: This sequence change replaces glutamic acid, which is acidic and polar, with lysine, which is basic and polar, at codon 725 of the MSH3 protein (p.Glu725Lys). This variant is present in population databases (rs200612739, gnomAD 0.02%). This variant has not been reported in the literature in individuals affected with MSH3-related conditions. ClinVar contains an entry for this variant (Variation ID: 653028). An algorithm developed to predict the effect of missense changes on protein structure and function outputs the following: PolyPhen-2: "Benign". The lysine amino acid residue is found in multiple mammalian species, which suggests that this missense change does not adversely affect protein function. In summary, the available evidence is currently insufficient to determine the role of this variant in disease. Therefore, it has been classified as a Variant of Uncertain Significance.

GeneDx
Classification: Uncertain significance. Last evaluated: 2025-08-07. Review status: criteria provided, single submitter. Criteria: GeneDx Variant Classification Process June 2021. Collection method: clinical testing. Allele origin: germline.
Comment: In silico analysis suggests that this missense variant does not alter protein structure/function; Observed in an individual undergoing multigene panel testing (PMID: 38136308); This variant is associated with the following publications: (PMID: 38136308)

Center for Genomic Medicine, Rigshospitalet, Copenhagen University Hospital
Classification: Uncertain significance. Last evaluated: 2025-03-04. Review status: criteria provided, single submitter. Criteria: ACMG Guidelines, 2015. Collection method: clinical testing. Allele origin: germline.

Quest Diagnostics Nichols Institute San Juan Capistrano
Classification: Uncertain significance. Last evaluated: 2024-10-01. Review status: criteria provided, single submitter. Criteria: Quest Diagnostics criteria. Collection method: clinical testing. Allele origin: unknown.
Comment: The MSH3 c.2173G>A (p.Glu725Lys) variant has been reported in the published literature in an individual undergoing genetic testing for hereditary breast and/or ovarian cancer (PMID: 38136308 (2023)). The frequency of this variant in the general population, 0.000079 (9/113456 chromosomes (Genome Aggregation Database)), is uninformative in the assessment of its pathogenicity. Analysis of this variant using bioinformatics tools for the prediction of the effect of amino acid changes on protein structure and function yielded predictions that this variant is benign. Based on the available information, we are unable to determine the clinical significance of this variant.

Ambry Genetics
Classification: Likely benign for Hereditary cancer-predisposing syndrome. Last evaluated: 2019-09-16. Review status: criteria provided, single submitter. Criteria: Ambry Variant Classification Scheme 2023. Collection method: clinical testing. Allele origin: germline.

Literature cited by the submitters: PubMed 38136308 (cited by Quest Diagnostics Nichols Institute San Juan Capistrano).

NM_002439.5(MSH3):c.2173G>A (p.Glu725Lys)

Gene: MSH3 (mutS homolog 3; plus strand). Cytogenetic location: 5q14.1.
Variant type: single nucleotide variant.
Coding change: c.2173G>A on transcript NM_002439.5 (MANE Select); coding-DNA position 2173, G replaced by A.
Protein change: p.Glu725Lys; replaces glutamic acid 725 with lysine.
Molecular consequence: missense variant.
Genome position (GRCh38, 1-based): chr5:80,768,923, G>A. VCF-style: chr5-80768923-G-A. GRCh37 (hg19) VCF-style: chr5-80064742-G-A.
Other names: short protein forms E725K.
Identifiers: ClinVar variation 653028 (VCV000653028.22), dbSNP rs200612739, ClinGen allele CA3328154.
Genomic context (GRCh38, chr5:80,768,923, plus strand): 5'-GACCTTTCTGACTTCCCTTTAATAAAAAAGAGGAAGGATGAAATTCAAGGTGTTATTGAC[G>A]AGATCCGAATGCATTTGCAAGAAATACGAAAAATACTAAAAAATCCTTCTGCACAATATG-3'
Protein context (NP_002430.3, residues 715-735): RKDEIQGVID[Glu725Lys]IRMHLQEIRK